The following is an entry in ClinVar:

NM_001184880.2(PCDH19):c.3G>A (p.Met1Ile)

Gene: PCDH19 (protocadherin 19; minus strand). Cytogenetic location: Xq22.1.
Variant type: single nucleotide variant.
Coding change: c.3G>A on transcript NM_001184880.2 (MANE Select); coding-DNA position 3, G replaced by A.
Protein change: p.Met1Ile; changes the start codon (methionine 1).
Molecular consequence: missense variant, initiator codon variant.
Genome position (GRCh38, 1-based): chrX:100,408,595, C>T on the plus strand (G>A on the coding strand, the complement: PCDH19 is on the minus strand). VCF-style: chrX-100408595-C-T. GRCh37 (hg19) VCF-style: chrX-99663593-C-T.
Other names: c.3G>A, p.Met1Ile (NM_001105243.2, NM_020766.3); short protein forms M1I.
Identifiers: ClinVar variation 1067709 (VCV001067709.10), dbSNP rs2147543046, ClinGen allele CA414011578.

ClinVar aggregate classification (germline): Pathogenic (1 of 4 stars; one submission).

Conditions:
Developmental and epileptic encephalopathy, 9 (DEE9). Also called: Early infantile epileptic encephalopathy 9; JUBERG-HELLMAN SYNDROME; PCDH19-Related X-Linked Female-Limited Epilepsy with Mental Retardation; EPILEPSY, FEMALE-RESTRICTED, WITH MENTAL RETARDATION. Identifiers: Orphanet 101039, Orphanet 2076, MedGen C1848137, MONDO:0010246, OMIM 300088. Disease mechanism: loss of function.

Submission:

Labcorp Genetics (formerly Invitae), Labcorp
Classification: Pathogenic for Developmental and epileptic encephalopathy, 9. Last evaluated: 2023-10-03. Review status: criteria provided, single submitter. Criteria: Invitae Variant Classification Sherloc (09022015). Collection method: clinical testing. Allele origin: germline.
Comment: This sequence change affects the initiator methionine of the PCDH19 mRNA. The next in-frame methionine is located at codon 106. This variant is not present in population databases (gnomAD no frequency). This variant has not been reported in the literature in individuals affected with PCDH19-related conditions. ClinVar contains an entry for this variant (Variation ID: 1067709). This variant disrupts a region of the PCDH19 protein in which other variant(s) (p.Leu81Arg) have been determined to be pathogenic (PMID: 21053371, 22946748, 27179713). This suggests that this is a clinically significant region of the protein, and that variants that disrupt it are likely to be disease-causing. For these reasons, this variant has been classified as Pathogenic.

Literature cited by the submitters: PubMed 21053371; PubMed 22946748; PubMed 27179713.